The following is an entry in ClinVar:

ClinVar aggregate classification (germline): Uncertain significance. Review status: criteria provided, multiple submitters, no conflicts (2 of 4 stars). 5 submissions from 5 submitters: Uncertain significance (5). Last evaluated 2024-02-04.

Conditions:
Hereditary cancer-predisposing syndrome. Also called: Neoplastic Syndromes, Hereditary; Tumor predisposition; Hereditary neoplastic syndrome; Hereditary Cancer Syndrome. Identifiers: Orphanet 140162, MedGen C0027672, MeSH D009386, MONDO:0015356.
Familial adenomatous polyposis 1 (FAP1). Also called: POLYPOSIS, ADENOMATOUS INTESTINAL; FAMILIAL ADENOMATOUS POLYPOSIS 1, ATTENUATED. Identifiers: MedGen C2713442, MONDO:0021056, OMIM 175100. Disease mechanism: loss of function.

gnomAD v4.1: 1 of 1,610,588 alleles (0.000062%); highest among the groups gnomAD compares: Non-Finnish European, 0.000085%; no homozygotes.

Submissions (5):

GeneDx
Classification: Uncertain significance. Last evaluated: 2024-02-04. Review status: criteria provided, single submitter. Criteria: GeneDx Variant Classification Process June 2021. Collection method: clinical testing. Allele origin: germline. Affected: yes.
Comment: Not observed at significant frequency in large population cohorts (gnomAD); In silico analysis supports that this missense variant does not alter protein structure/function; Has not been previously published as pathogenic or benign to our knowledge; This variant is associated with the following publications: (PMID: 33997043)

Color Diagnostics, LLC DBA Color Health
Classification: Uncertain significance for Hereditary cancer-predisposing syndrome. Last evaluated: 2023-12-04. Review status: criteria provided, single submitter. Criteria: ACMG Guidelines, 2015. Collection method: clinical testing. Allele origin: germline.
Comment: This missense variant replaces isoleucine with methionine at codon 224 of the APC protein. Computational prediction tools and conservation analyses are inconclusive regarding the impact of this variant on protein structure and function. Splice site prediction tools suggest that this variant may not impact RNA splicing. To our knowledge, functional studies have not been performed for this variant. This variant has not been reported in individuals affected with hereditary cancer in the literature. This variant has not been identified in the general population by the Genome Aggregation Database (gnomAD). The available evidence is insufficient to determine the role of this variant in disease conclusively. Therefore, this variant is classified as a Variant of Uncertain Significance.

Baylor Genetics
Classification: Uncertain significance for Familial adenomatous polyposis 1. Last evaluated: 2023-11-16. Review status: criteria provided, single submitter. Criteria: ACMG Guidelines, 2015. Collection method: clinical testing. Allele origin: unknown.

Ambry Genetics
Classification: Uncertain significance for Hereditary cancer-predisposing syndrome. Last evaluated: 2020-10-27. Review status: criteria provided, single submitter. Criteria: Ambry Variant Classification Scheme 2023. Collection method: clinical testing. Allele origin: germline.
Comment: The p.I224M variant (also known as c.672C>G), located in coding exon 6 of the APC gene, results from a C to G substitution at nucleotide position 672. The isoleucine at codon 224 is replaced by methionine, an amino acid with highly similar properties. This amino acid position is highly conserved in available vertebrate species. In addition, in silico predictors for this gene do not accurately predict pathogenicity. Since supporting evidence is limited at this time, the clinical significance of this alteration remains unclear.

Labcorp Genetics (formerly Invitae), Labcorp
Classification: Uncertain significance for Familial adenomatous polyposis 1. Last evaluated: 2019-09-17. Review status: criteria provided, single submitter. Criteria: Invitae Variant Classification Sherloc (09022015). Collection method: clinical testing. Allele origin: germline.
Comment: This sequence change replaces isoleucine with methionine at codon 224 of the APC protein (p.Ile224Met). The isoleucine residue is highly conserved and there is a small physicochemical difference between isoleucine and methionine. This variant is not present in population databases (ExAC no frequency). This variant has not been reported in the literature in individuals with APC-related conditions. Algorithms developed to predict the effect of missense changes on protein structure and function are either unavailable or do not agree on the potential impact of this missense change (SIFT: "Deleterious"; PolyPhen-2: "Probably Damaging"; Align-GVGD: "Class C0"). In summary, the available evidence is currently insufficient to determine the role of this variant in disease. Therefore, it has been classified as a Variant of Uncertain Significance.

NM_000038.6(APC):c.672C>G (p.Ile224Met)

Gene: APC (APC regulator of Wnt signaling pathway; plus strand). Cytogenetic location: 5q22.2.
Variant type: single nucleotide variant.
Coding change: c.672C>G on transcript NM_000038.6 (MANE Select); coding-DNA position 672, C replaced by G.
Protein change: p.Ile224Met; replaces isoleucine 224 with methionine.
Molecular consequence: missense variant. On other transcripts: 5 prime UTR variant (1), intron variant (2).
Genome position (GRCh38, 1-based): chr5:112,792,472, C>G. VCF-style: chr5-112792472-C-G. GRCh37 (hg19) VCF-style: chr5-112128169-C-G.
Other names: c.672C>G, p.Ile224Met (NM_001127510.3, NM_001354895.2, NM_001354896.2 and 1 more transcripts); c.702C>G, p.Ile234Met (NM_001354897.2, NM_001354902.2); c.597C>G, p.Ile199Met (NM_001354898.2, NM_001354904.2); c.495C>G, p.Ile165Met (NM_001354900.2, NM_001354901.2, NM_001354905.2); c.-364C>G (NM_001354906.2); c.676-8807C>G (NM_001127511.3); c.646-8807C>G (NM_001354899.2); short protein forms I234M, I165M, I199M, I224M.
Identifiers: ClinVar variation 826583 (VCV000826583.21), dbSNP rs367816013, ClinGen allele CA16022805.
Genomic context (GRCh38, chr5:112,792,472, plus strand): 5'-AACATAACTAATTAGGTTTCTTGTTTTATTTTAGCGAAGAATAGCCAGAATTCAGCAAAT[C>G]GAAAAGGACATACTTCGTATACGACAGCTTTTACAGTCCCAAGCAACAGAAGCAGAGGTT-3'
Protein context (NP_000029.2, residues 214-234): AQRRIARIQQ[Ile224Met]EKDILRIRQL